The following is an entry in ClinVar:

NM_001127222.2(CACNA1A):c.6394_6423del (p.Ala2132_Glu2141del)

Gene: CACNA1A (calcium voltage-gated channel subunit alpha1 A; minus strand). Cytogenetic location: 19p13.13.
Variant type: Deletion.
Coding change: c.6394_6423del on transcript NM_001127222.2 (MANE Select); coding-DNA positions 6394 to 6423, 30 bases deleted (GCCCGACGCCTGGACGATTACTCGCTGGAG).
Protein change: p.Ala2132_Glu2141del.
Molecular consequence: inframe indel (on NM_001127221.1).
Genome position (GRCh38, 1-based): chr19:13,209,415-13,209,444, CTCCAGCGAGTAATCGTCCAGGCGTCGGGC deleted on the plus strand (GCCCGACGCCTGGACGATTACTCGCTGGAG on the coding strand, the reverse complement: CACNA1A is on the minus strand); deleting any 30 consecutive bases within chr19:13,209,415-13,209,446 gives the same sequence; the c. name uses the placement nearest the transcript's 3' end. VCF-style (leftmost placement, unchanged base first): chr19-13209414-GCTCCAGCGAGTAATCGTCCAGGCGTCGGGC-G. GRCh37 (hg19) VCF-style: chr19-13320228-GCTCCAGCGAGTAATCGTCCAGGCGTCGGGC-G.
Other names: c.6412_6441del, p.Ala2138_Glu2147del (NM_000068.4, NM_023035.3); c.6395_6424del30, p.Ala2133_Glu2142del (NM_001127221.1); c.6397_6426del, p.Ala2133_Glu2142del (NM_001127221.2); c.6403_6432del, p.Ala2135_Glu2144del (NM_001174080.2).
Identifiers: ClinVar variation 3359785 (VCV003359785.1).

ClinVar aggregate classification (germline): Uncertain significance (1 of 4 stars; one submission).

Submission:

GeneDx
Classification: Uncertain significance. Last evaluated: 2023-06-11. Review status: criteria provided, single submitter. Criteria: GeneDx Variant Classification Process June 2021. Collection method: clinical testing. Allele origin: germline. Affected: yes.
Comment: Not observed at significant frequency in large population cohorts (gnomAD); In-frame deletion of 10 amino acids in a non-repeat region; In silico analysis supports a deleterious effect on protein structure/function; Has not been previously published as pathogenic or benign to our knowledge